The following is an entry in ClinVar:

ClinVar aggregate classification (germline): Uncertain significance. Review status: criteria provided, multiple submitters, no conflicts (2 of 4 stars). 9 submissions from 9 submitters: Uncertain significance (8). 1 of the submissions does not count toward it. Last evaluated 2025-12-17.

Conditions:
CFTR-related disorder (CFTR-RD). Also called: CFTR-related disorders; CFTR-related condition. Identifiers: MedGen C5924204, MONDO:7770004.
Cystic fibrosis (CF). Also called: MUCOVISCIDOSIS. Identifiers: Orphanet 586, MedGen C0010674, MONDO:0009061, OMIM 219700. Disease mechanism: loss of function.

Allele frequency attached by ClinVar (database versions not stated): gnomAD 0.00003 and 0.00004; ExAC 0.00005; ESP Exome Variant Server 0.00015.
gnomAD v4.1: 259 of 1,610,844 alleles (0.016%); highest among the groups gnomAD compares: Non-Finnish European, 0.021%; no homozygotes.

Submissions (9):

Labcorp Genetics (formerly Invitae), Labcorp
Classification: Uncertain significance for Cystic fibrosis. Last evaluated: 2025-12-17. Review status: criteria provided, single submitter. Criteria: Invitae Variant Classification Sherloc (09022015). Collection method: clinical testing. Allele origin: germline.
Comment: This sequence change replaces proline, which is neutral and non-polar, with serine, which is neutral and polar, at codon 477 of the CFTR protein (p.Pro477Ser). This variant is present in population databases (rs139054556, gnomAD 0.008%). This missense change has been observed in individual(s) with pancreatitis (PMID: 28440306). ClinVar contains an entry for this variant (Variation ID: 455762). Invitae Evidence Modeling of protein sequence and biophysical properties (such as structural, functional, and spatial information, amino acid conservation, physicochemical variation, residue mobility, and thermodynamic stability) indicates that this missense variant is expected to disrupt CFTR protein function with a positive predictive value of 80%. In summary, the available evidence is currently insufficient to determine the role of this variant in disease. Therefore, it has been classified as a Variant of Uncertain Significance.

Ambry Genetics
Classification: Uncertain significance for Cystic fibrosis. Last evaluated: 2025-11-03. Review status: criteria provided, single submitter. Criteria: Ambry Variant Classification Scheme 2023. Collection method: clinical testing. Allele origin: germline.
Comment: The p.P477S variant (also known as c.1429C>T), located in coding exon 11 of the CFTR gene, results from a C to T substitution at nucleotide position 1429. The proline at codon 477 is replaced by serine, an amino acid with similar properties. This alteration was identified in an individual diagnosed with idiopathic pancreatitis (Jalaly NY et al. Am J Gastroenterol, 2017 Aug;112:1320-1329). This amino acid position is well conserved in available vertebrate species. In addition, the in silico prediction for this alteration is inconclusive. Since supporting evidence is limited at this time, the clinical significance of this alteration remains unclear.

PreventionGenetics, part of Exact Sciences
Classification: Uncertain significance for CFTR-related condition. Last evaluated: 2025-06-03. Review status: criteria provided, single submitter. Criteria: ACMG Guidelines, 2015. Collection method: clinical testing. Allele origin: germline.
Comment: The CFTR c.1429C>T variant is predicted to result in the amino acid substitution p.Pro477Ser. This variant has been reported in at least two individuals with acute recurrent idiopathic pancreatitis (Jalaly et al. 2017. PubMed ID: 28440306) . This variant is reported in 0.012% of alleles in individuals of African descent in gnomAD. At this time, the clinical significance of this variant is uncertain due to the absence of conclusive functional and genetic evidence.

Mayo Clinic Laboratories, Mayo Clinic
Classification: Uncertain significance. Last evaluated: 2024-09-30. Review status: criteria provided, single submitter. Criteria: ACMG Guidelines, 2015. Collection method: clinical testing. Allele origin: germline. Observed: 1 variant allele.
Comment: PM2_supporting

Blueprint Genetics
Classification: Uncertain significance. Last evaluated: 2022-10-10. Review status: criteria provided, single submitter. Criteria: ACMG Guidelines, 2015. Collection method: clinical testing. Allele origin: germline.

Genome-Nilou Lab
Classification: Uncertain significance for Cystic fibrosis. Last evaluated: 2021-09-05. Review status: criteria provided, single submitter. Criteria: ACMG Guidelines, 2015. Collection method: clinical testing. Allele origin: germline. Affected: no.

Women's Health and Genetics/Laboratory Corporation of America, LabCorp
Classification: Uncertain significance. Last evaluated: 2020-07-24. Review status: criteria provided, single submitter. Criteria: LabCorp Variant Classification Summary - May 2015. Collection method: clinical testing. Allele origin: germline.
Comment: Variant summary: CFTR c.1429C>T (p.Pro477Ser) results in a non-conservative amino acid change located in the AAA+ ATPase domain (IPR003593) of the encoded protein sequence. Five of five in-silico tools predict a damaging effect of the variant on protein function. The variant allele was found at a frequency of 4e-05 in 251268 control chromosomes (gnomAD). This frequency is not higher than expected for a pathogenic variant in CFTR causing Chronic Pancreatitis Risk (4e-05 vs 0.0063), allowing no conclusion about variant significance. The variant, c.1429C>T, has been reported in the literature in two individuals affected with acute recurrent- and acute unexplained pancreatitis (Jalaly_2017). This report does not provide unequivocal conclusions about association of the variant with Chronic Pancreatitis Risk. To our knowledge, no experimental evidence demonstrating an impact on protein function has been reported. Two other clinical diagnostic laboratories have submitted clinical-significance assessments for this variant to ClinVar after 2014 without evidence for independent evaluation, and both of them classified the variant as uncertain significance. Based on the evidence outlined above, the variant was classified as uncertain significance.

Quest Diagnostics Nichols Institute San Juan Capistrano
Classification: Uncertain significance. Last evaluated: 2018-01-03. Review status: criteria provided, single submitter. Criteria: Quest Diagnostics criteria. Collection method: clinical testing. Allele origin: germline.

Natera, Inc.
Classification: Uncertain significance for Cystic Fibrosis. Last evaluated: 2020-09-16. Review status: no assertion criteria provided. Collection method: clinical testing. Allele origin: germline. Not counted in ClinVar's aggregate classification.

Literature cited by the submitters: PubMed 28440306 (cited by 4 submitters); PubMed 25735457 (cited by Women's Health and Genetics/Laboratory Corporation of America, LabCorp).

NM_000492.4(CFTR):c.1429C>T (p.Pro477Ser)

Genes: CFTR (CF transmembrane conductance regulator; plus strand), CFTR-AS1 (CFTR antisense RNA 1; minus strand). Cytogenetic location: 7q31.2.
Variant type: single nucleotide variant.
Coding change: c.1429C>T on transcript NM_000492.4 (MANE Select); coding-DNA position 1429, C replaced by T.
Protein change: p.Pro477Ser; replaces proline 477 with serine.
Molecular consequence: missense variant.
Genome position (GRCh38, 1-based): chr7:117,559,500, C>T. VCF-style: chr7-117559500-C-T. GRCh37 (hg19) VCF-style: chr7-117199554-C-T.
Other names: p.Pro477Ser; short protein forms P477S.
Identifiers: ClinVar variation 455762 (VCV000455762.17), dbSNP rs139054556, ClinGen allele CA4451004.